The following is an entry in ClinVar:

ClinVar aggregate classification (germline): Uncertain significance (1 of 4 stars; one submission).

gnomAD v4.1: 1 of 1,613,970 alleles (0.000062%); highest among the groups gnomAD compares: Admixed American, 0.0017%; no homozygotes.

Submission:

Labcorp Genetics (formerly Invitae), Labcorp
Classification: Uncertain significance. Last evaluated: 2024-05-02. Review status: criteria provided, single submitter. Criteria: Invitae Variant Classification Sherloc (09022015). Collection method: clinical testing. Allele origin: germline.
Comment: This sequence change replaces serine, which is neutral and polar, with leucine, which is neutral and non-polar, at codon 2471 of the MYO18B protein (p.Ser2471Leu). This variant is present in population databases (no rsID available, gnomAD 0.003%). This variant has not been reported in the literature in individuals affected with MYO18B-related conditions. ClinVar contains an entry for this variant (Variation ID: 1899533). An algorithm developed to predict the effect of missense changes on protein structure and function (PolyPhen-2) suggests that this variant¬†is likely to be tolerated. In summary, the available evidence is currently insufficient to determine the role of this variant in disease. Therefore, it has been classified as a Variant of Uncertain Significance.

NM_032608.7(MYO18B):c.7412C>T (p.Ser2471Leu)

Gene: MYO18B (myosin XVIIIB; plus strand). Cytogenetic location: 22q12.1.
Variant type: single nucleotide variant.
Coding change: c.7412C>T on transcript NM_032608.7 (MANE Select); coding-DNA position 7412, C replaced by T.
Protein change: p.Ser2471Leu; replaces serine 2471 with leucine.
Molecular consequence: missense variant.
Genome position (GRCh38, 1-based): chr22:26,027,386, C>T. VCF-style: chr22-26027386-C-T. GRCh37 (hg19) VCF-style: chr22-26423352-C-T.
Other names: c.7415C>T, p.Ser2472Leu (NM_001318245.2); short protein forms S2471L, S2472L.
Identifiers: ClinVar variation 1899533 (VCV001899533.4), dbSNP rs1380567902, ClinGen allele CA411012393.
Genomic context (GRCh38, chr22:26,027,386, plus strand): 5'-CCCAGACACCTACCTCCTTGGCTGGATCAGCCAAAGGTGGGCAAGACGGTTCACAGCGTT[C>T]AAGCATCCACTTTGAAACGGAAGAGGCTAACCGTTCCTTTCTCTCGGGGATCAAGACCAT-3'
Protein context (NP_115997.5, residues 2461-2481): AKGGQDGSQR[Ser2471Leu]SIHFETEEAN